The following is an entry in ClinVar:

NM_001166108.2(PALLD):c.3190A>G (p.Asn1064Asp)

Genes: CBR4 (carbonyl reductase 4; minus strand), PALLD (palladin, cytoskeletal associated protein; plus strand). Cytogenetic location: 4q32.3.
Variant type: single nucleotide variant.
Coding change: c.3190A>G on transcript NM_001166108.2 (MANE Select); coding-DNA position 3190, A replaced by G.
Protein change: p.Asn1064Asp; replaces asparagine 1064 with aspartic acid.
Molecular consequence: missense variant.
Genome position (GRCh38, 1-based): chr4:168,924,386, A>G. VCF-style: chr4-168924386-A-G. GRCh37 (hg19) VCF-style: chr4-169845537-A-G.
Other names: c.1993A>G, p.Asn665Asp (NM_001166109.2); c.1678A>G, p.Asn560Asp (NM_001166110.2); c.1018A>G, p.Asn340Asp (NM_001367567.1, NM_001367569.1); c.1069A>G, p.Asn357Asp (NM_001367568.1, NM_001367570.1); c.3139A>G, p.Asn1047Asp (NM_016081.4); short protein forms N560D, N665D, N1047D, N1064D, N340D, N357D.
Identifiers: ClinVar variation 1728044 (VCV001728044.2), dbSNP rs2534253085, ClinGen allele CA358712797.

ClinVar aggregate classification (germline): Uncertain significance (1 of 4 stars; one submission).

Submission:

Ambry Genetics
Classification: Uncertain significance. Last evaluated: 2021-07-25. Review status: criteria provided, single submitter. Criteria: Ambry Variant Classification Scheme 2023. Collection method: clinical testing. Allele origin: germline.
Comment: The p.N1047D variant (also known as c.3139A>G), located in coding exon 17 of the PALLD gene, results from an A to G substitution at nucleotide position 3139. The asparagine at codon 1047 is replaced by aspartic acid, an amino acid with highly similar properties. This amino acid position is conserved. In addition, the in silico prediction for this alteration is inconclusive. Since supporting evidence is limited at this time, the clinical significance of this alteration remains unclear.